The following is an entry in ClinVar:

NM_014862.4(ARNT2):c.28C>T (p.Pro10Ser)

Gene: ARNT2 (aryl hydrocarbon receptor nuclear translocator 2; plus strand). Cytogenetic location: 15q25.1.
Variant type: single nucleotide variant.
Coding change: c.28C>T on transcript NM_014862.4 (MANE Select); coding-DNA position 28, C replaced by T.
Protein change: p.Pro10Ser; replaces proline 10 with serine.
Molecular consequence: missense variant.
Genome position (GRCh38, 1-based): chr15:80,404,543, C>T. VCF-style: chr15-80404543-C-T. GRCh37 (hg19) VCF-style: chr15-80696885-C-T.
Other names: short protein forms P10S.
Identifiers: ClinVar variation 1515639 (VCV001515639.4), dbSNP rs761547949, ClinGen allele CA7691584.

ClinVar aggregate classification (germline): Uncertain significance. Review status: criteria provided, multiple submitters, no conflicts (2 of 4 stars). 2 submissions from 2 submitters: Uncertain significance (2). Last evaluated 2022-09-27.

Allele frequency attached by ClinVar (database versions not stated): gnomAD exomes 0.00003 and 0.00007; gnomAD 0.00008 and 0.00009; TOPMed 0.00015; 1000 Genomes Project 30x 0.00031.
gnomAD v4.1: 52 of 1,194,768 alleles (0.0044%); highest among the groups gnomAD compares: Admixed American, 0.066%; no homozygotes.

Submissions (2):

Labcorp Genetics (formerly Invitae), Labcorp
Classification: Uncertain significance. Last evaluated: 2022-09-27. Review status: criteria provided, single submitter. Criteria: Invitae Variant Classification Sherloc (09022015). Collection method: clinical testing. Allele origin: germline.
Comment: This sequence change replaces proline, which is neutral and non-polar, with serine, which is neutral and polar, at codon 10 of the ARNT2 protein (p.Pro10Ser). The frequency data for this variant in the population databases is considered unreliable, as metrics indicate poor data quality at this position in the gnomAD database. This variant has not been reported in the literature in individuals affected with ARNT2-related conditions. ClinVar contains an entry for this variant (Variation ID: 1515639). Algorithms developed to predict the effect of missense changes on protein structure and function output the following: SIFT: "Tolerated"; PolyPhen-2: "Possibly Damaging"; Align-GVGD: "Class C0". The serine amino acid residue is found in multiple mammalian species, which suggests that this missense change does not adversely affect protein function. In summary, the available evidence is currently insufficient to determine the role of this variant in disease. Therefore, it has been classified as a Variant of Uncertain Significance.

Breakthrough Genomics
Classification: Uncertain significance. Review status: criteria provided, single submitter. Criteria: ACMG Guidelines, 2015. Collection method: not provided. Allele origin: germline. Inheritance: Autosomal recessive inheritance. Affected: yes.